The following is an entry in ClinVar:

NM_182925.5(FLT4):c.3434G>A (p.Arg1145His)

Gene: FLT4 (fms related receptor tyrosine kinase 4; minus strand). Cytogenetic location: 5q35.3.
Variant type: single nucleotide variant.
Coding change: c.3434G>A on transcript NM_182925.5 (MANE Select); coding-DNA position 3434, G replaced by A.
Protein change: p.Arg1145His; replaces arginine 1145 with histidine.
Molecular consequence: missense variant.
Genome position (GRCh38, 1-based): chr5:180,612,609, C>T on the plus strand (G>A on the coding strand, the complement: FLT4 is on the minus strand). VCF-style: chr5-180612609-C-T. GRCh37 (hg19) VCF-style: chr5-180039609-C-T.
Other names: c.3434G>A, p.Arg1145His (NM_001354989.2, NM_002020.5); short protein forms R1145H.
Identifiers: ClinVar variation 3600492 (VCV003600492.1).
Genomic context (GRCh38, chr5:180,612,609, plus strand): 5'-AGCTCCGAGAATGCAGGTCTCGCCTTGGGGTCTCCGGACCAGCAGTTCAGCATGATGCGG[C>T]GTCTGCAGGATCACGTGGGCTGCTGGACTGCATGCACCCCACCCCCGTCCCAGGACCTTC-3'
Protein context (NP_891555.2, residues 1135-1155): RAPELATPAI[Arg1145His]RIMLNCWSGD

ClinVar aggregate classification (germline): Uncertain significance (1 of 4 stars; one submission).

Conditions:
Hereditary lymphedema type I (LMPHM1). Also called: LYMPHATIC MALFORMATION 1; Nonne-Milroy disease; Congenital hereditary lymphedema; Early onset lymphedema; Hereditary lymphedema 1; Primary congenital lymphedema. Identifiers: Orphanet 79452, MedGen C1704423, MONDO:0007919, OMIM 153100.

gnomAD v4.1: 6 of 1,612,050 alleles (0.00037%); highest among the groups gnomAD compares: South Asian, 0.0022%; no homozygotes.

Submission:

Clinical Genomics Laboratory, Washington University in St. Louis
Classification: Uncertain significance for Hereditary lymphedema type I. Last evaluated: 2024-11-12. Review status: criteria provided, single submitter. Criteria: ACMG Guidelines, 2015. Collection method: clinical testing. Allele origin: germline.
Comment: A FLT4 c.3434G>A (p.Arg1145His) variant was identified at a heterozygous allelic fraction of 50.2%, a frequency which may be consistent with it being of germline origin. To our knowledge, this variant has not been reported in the medical literature. The FLT4 c.3434G>A (p.Arg1145His) variant is only observed on 6/1,612,050 alleles in the general population (gnomAD v.4.1.0), indicating it is not a common variant. Computational predictors are uncertain as to the impact of this variant on FLT4 function. Due to limited information and based on ACMG/AMP guidelines for variant interpretation (Richards S et al., PMID: 25741868), the clinical significance of this variant is uncertain at this time.